The following is an entry in ClinVar:

NM_001253697.2(ERBIN):c.3348TCC[1] (p.Pro1118del)

Gene: ERBIN (erbb2 interacting protein; plus strand). Cytogenetic location: 5q12.3.
Variant type: Microsatellite.
Coding change: c.3348TCC[1] on transcript NM_001253697.2 (MANE Select); one copy of the 3-base unit TCC starting at c.3348; the reference has two copies in a row; one copy, 3 bases deleted.
Protein change: p.Pro1118del; deletes proline 1118.
Molecular consequence: inframe deletion.
Genome position (GRCh38, 1-based): chr5:66,054,669-66,054,671, TCC deleted; deleting any 3 consecutive bases within chr5:66,054,665-66,054,671 gives the same sequence; the position shown is the placement nearest the transcript's 3' end. VCF-style (leftmost placement, unchanged base first): chr5-66054664-ACTC-A. GRCh37 (hg19) VCF-style: chr5-65350492-ACTC-A.
Other names: c.3348TCC[1], p.Pro1118del (NM_001006600.3, NM_001253698.2, NM_001253699.2 and 1 more transcripts); c.3336TCC[1], p.Pro1114del (NM_001253701.2); short protein forms P1114del, P1118del.
Identifiers: ClinVar variation 1378109 (VCV001378109.6), dbSNP rs769167547, ClinGen allele CA3286644.
Genomic context (GRCh38, chr5:66,054,664, plus strand): 5'-CGGGCTCAGATTCCTGAAGGAGATTATTTATCATACAGAGAGTTCCACTCAGCGGGAAGA[ACTC>A]CTCCAATGATGCCAGGATCACAGAGACCCCTTTCTGCACGAACATACAGCATAGATGGTC-3'

ClinVar aggregate classification (germline): Uncertain significance (1 of 4 stars; one submission).

Submission:

Labcorp Genetics (formerly Invitae), Labcorp
Classification: Uncertain significance. Last evaluated: 2025-06-24. Review status: criteria provided, single submitter. Criteria: Invitae Variant Classification Sherloc (09022015). Collection method: clinical testing. Allele origin: germline.
Comment: This variant, c.3351_3353del, results in the deletion of 1 amino acid(s) of the ERBIN protein (p.Pro1118del), but otherwise preserves the integrity of the reading frame. The frequency data for this variant in the population databases is considered unreliable, as metrics indicate poor data quality at this position in the gnomAD database. This variant has not been reported in the literature in individuals affected with ERBIN-related conditions. Experimental studies and prediction algorithms are not available or were not evaluated, and the functional significance of this variant is currently unknown. In summary, the available evidence is currently insufficient to determine the role of this variant in disease. Therefore, it has been classified as a Variant of Uncertain Significance.